The following is an entry in ClinVar:

NM_001032283.3(TMPO):c.565+1000A>T

Gene: TMPO (thymopoietin; plus strand). Cytogenetic location: 12q23.1.
Variant type: single nucleotide variant.
Coding change: c.565+1000A>T on transcript NM_001032283.3 (MANE Select); 1000 bases into the intron after coding-DNA position 565, A replaced by T.
Molecular consequence: intron variant. On other transcripts: missense variant (1).
Genome position (GRCh38, 1-based): chr12:98,532,838, A>T. VCF-style: chr12-98532838-A-T. GRCh37 (hg19) VCF-style: chr12-98926616-A-T.
Other names: c.581A>T, p.His194Leu (NM_003276.2); c.565+1000A>T (NM_001307975.2, NM_001032284.3); short protein forms H194L.
Identifiers: ClinVar variation 4810941 (VCV004810941.1).
Genomic context (GRCh38, chr12:98,532,838, plus strand): 5'-AAACACAGGTAATGCTTAAACTTCCTGCCTCTTTTGCCTCTACAGGAAAGAAGAAAGAAC[A>T]CAAGAAAGTGAAGTCCACTAGGGATATTGTTCCTTTTTCTGAACTTGGAACTACTCCCTC-3'

ClinVar aggregate classification (germline): Uncertain significance (1 of 4 stars; one submission).

Conditions:
Loeys-Dietz syndrome 2 (LDS2). Also called: Marfan Syndrome type 2; Marfan like connective tissue disorder; MFS 2; TGFBR2-Related Loeys-Dietz Syndrome; Marfan syndrome, type 2 (formerly); AORTIC ANEURYSM, FAMILIAL THORACIC 3. Identifiers: Orphanet 284973, Orphanet 558, MedGen C2674574, MONDO:0012427, OMIM 610168.

Submission:

Labcorp Genetics (formerly Invitae), Labcorp
Classification: Uncertain significance for Loeys-Dietz syndrome 2. Last evaluated: 2025-04-02. Review status: criteria provided, single submitter. Criteria: Invitae Variant Classification Sherloc (09022015). Collection method: clinical testing. Allele origin: germline.
Comment: This sequence change replaces histidine, which is basic and polar, with leucine, which is neutral and non-polar, at codon 194 of the TMPO protein (p.His194Leu). This variant is present in population databases (rs757560595, gnomAD 0.006%). This variant has not been reported in the literature in individuals affected with TMPO-related conditions. Invitae Evidence Modeling of protein sequence and biophysical properties (such as structural, functional, and spatial information, amino acid conservation, physicochemical variation, residue mobility, and thermodynamic stability) indicates that this missense variant is not expected to disrupt TMPO protein function with a negative predictive value of 80%. In summary, the available evidence is currently insufficient to determine the role of this variant in disease. Therefore, it has been classified as a Variant of Uncertain Significance.